The following is an entry in ClinVar:

ClinVar aggregate classification (germline): Uncertain significance (1 of 4 stars; one submission).

Conditions:
Hereditary cancer-predisposing syndrome. Also called: Neoplastic Syndromes, Hereditary; Tumor predisposition; Hereditary Cancer Syndrome; Hereditary neoplastic syndrome. Identifiers: Orphanet 140162, MedGen C0027672, MeSH D009386, MONDO:0015356.

Submission:

Ambry Genetics
Classification: Uncertain significance for Hereditary cancer-predisposing syndrome. Last evaluated: 2024-09-30. Review status: criteria provided, single submitter. Criteria: Ambry Variant Classification Scheme 2023. Collection method: clinical testing. Allele origin: germline.
Comment: The c.626-6_626-5delGCinsTT intronic variant begins 6 nucleotides before coding exon 4 in the RET gene. This variant results from a deletion of 2 nucleotides (GC) and an insertion of two nucleotides (TT) at positions c.626-6 to c.626-5. This nucleotide region is not well conserved in available vertebrate species. In silico splice site analysis predicts that this alteration will not have any significant effect on splicing. Based on the available evidence, the clinical significance of this variant remains unclear.

NM_020975.6(RET):c.626-6_626-5delinsTT

Gene: RET (ret proto-oncogene; plus strand). Cytogenetic location: 10q11.21.
Variant type: Indel.
Coding change: c.626-6_626-5delinsTT on transcript NM_020975.6 (MANE Select); 6 bases into the intron before coding-DNA position 626 through 5 bases into the intron before coding-DNA position 626, GC replaced by TT.
Molecular consequence: intron variant. On other transcripts: 5 prime UTR variant (1).
Genome position (GRCh38, 1-based): chr10:43,104,946-43,104,947, GC replaced by TT. VCF-style: chr10-43104946-GC-TT. GRCh37 (hg19) VCF-style: chr10-43600394-GC-TT.
Other names: c.-143_-142delinsTT (NM_001355216.2); c.626-6_626-5delinsTT (NM_020630.7, NM_001406743.1, NM_001406744.1 and 6 more transcripts); c.625+2317_625+2318delinsTT (NM_001406773.1, NM_001406771.1, NM_001406782.1 and 5 more transcripts); c.497-6_497-5delinsTT (NM_001406764.1, NM_001406762.1, NM_001406761.1 and 2 more transcripts); c.496+2317_496+2318delinsTT (NM_001406786.1, NM_001406783.1); c.338-6_338-5delinsTT (NM_001406770.1, NM_001406766.1, NM_001406767.1); c.338-4085_338-4084delinsTT (NM_001406778.1, NM_001406775.1, NM_001406776.1 and 1 more transcripts); c.337+4224_337+4225delinsTT (NM_001406790.1, NM_001406788.1, NM_001406789.1 and 1 more transcripts); and 2 more.
Identifiers: ClinVar variation 3432226 (VCV003432226.1).